The following is an entry in ClinVar:

ClinVar aggregate classification (germline): Uncertain significance (1 of 4 stars; one submission).

Submission:

ISCA Site 6
Classification: Uncertain significance. Last evaluated: 2011-08-12. Review status: criteria provided, single submitter. Criteria: Kaminsky et al. (Genet Med. 2011). Collection method: clinical testing. Allele origin: paternal. Affected: yes. Observed: 1 variant allele.
Comment: Copy number variation identified through the course of routine clinical cytogenomic testing in postnatal populations. Clinical assertions have been curated as described in Kaminsky et al. 2011.

GRCh38/hg38 16p13.11(chr16:14816348-16431491)x3

Genes: MARF1 (meiosis regulator and mRNA stability factor 1; minus strand), MIR1972-1 (microRNA 1972-1; minus strand), MIR3179-1 (microRNA 3179-1), MIR3179-2 (microRNA 3179-2; plus strand), MIR3180-1 (microRNA 3180-1) and 51 more. Cytogenetic location: 16p13.11.
Variant type: copy number gain.
Change: copy number 3 (three copies instead of two) of chr16:14,816,348-16,431,491 (1.62 Mb, GRCh38 coordinates, 1-based), cytogenetic band 16p13.11.
Identifiers: ClinVar variation 160804 (VCV000160804.2).